The following is an entry in ClinVar:

NM_000363.5(TNNI3):c.67T>C (p.Ser23Pro)

Gene: TNNI3 (troponin I3, cardiac type; minus strand). Cytogenetic location: 19q13.42.
Variant type: single nucleotide variant.
Coding change: c.67T>C on transcript NM_000363.5 (MANE Select); coding-DNA position 67, T replaced by C.
Protein change: p.Ser23Pro; replaces serine 23 with proline.
Molecular consequence: missense variant.
Genome position (GRCh38, 1-based): chr19:55,157,091, A>G on the plus strand (T>C on the coding strand, the complement: TNNI3 is on the minus strand). VCF-style: chr19-55157091-A-G. GRCh37 (hg19) VCF-style: chr19-55668459-A-G.
Other names: c.67T>C (LRG_432t1); short protein forms S23P.
Identifiers: ClinVar variation 454413 (VCV000454413.11), dbSNP rs1555864374, ClinGen allele CA407443069.
Genomic context (GRCh38, chr19:55,157,091, plus strand): 5'-CCAGGAAGCCCCGTCCCACCTTGGCGTGCGGCTCCGTGGCATAAGCGCGGTAGTTGGAGG[A>G]GCGGCGTCTGATTGGGGCTGGTGCAGGGCGAGGTTCCCTAGCCTGGGTTAGGAGGAGTGG-3'
Protein context (NP_000354.4, residues 13-33): RPAPAPIRRR[Ser23Pro]SNYRAYATEP

ClinVar aggregate classification (germline): Uncertain significance. Review status: criteria provided, multiple submitters, no conflicts (2 of 4 stars). 2 submissions from 2 submitters: Uncertain significance (2). Last evaluated 2023-06-21.

Conditions:
Hypertrophic cardiomyopathy. Also called: HYPERTROPHIC MYOCARDIOPATHY. Identifiers: Orphanet 217569, MedGen C0007194, MeSH D002312, MONDO:0005045, HP:0001639.

Submissions (2):

Labcorp Genetics (formerly Invitae), Labcorp
Classification: Uncertain significance for Hypertrophic cardiomyopathy. Last evaluated: 2023-06-21. Review status: criteria provided, single submitter. Criteria: Invitae Variant Classification Sherloc (09022015). Collection method: clinical testing. Allele origin: germline.
Comment: In summary, the available evidence is currently insufficient to determine the role of this variant in disease. Therefore, it has been classified as a Variant of Uncertain Significance. An algorithm developed to predict the effect of missense changes on protein structure and function (PolyPhen-2) suggests that this variant is likely to be disruptive. ClinVar contains an entry for this variant (Variation ID: 454413). This variant has not been reported in the literature in individuals affected with TNNI3-related conditions. This variant is not present in population databases (gnomAD no frequency). This sequence change replaces serine, which is neutral and polar, with proline, which is neutral and non-polar, at codon 23 of the TNNI3 protein (p.Ser23Pro).

Stanford Center for Inherited Cardiovascular Disease, Stanford University
Classification: Uncertain significance. Last evaluated: 2016-03-01. Review status: criteria provided, single submitter. Criteria: ACMG Guidelines, 2015. Collection method: provider interpretation. Allele origin: germline.